The following is an entry in ClinVar:

ClinVar aggregate classification (germline): Pathogenic/Likely pathogenic. Review status: criteria provided, multiple submitters, no conflicts (2 of 4 stars). 2 submissions from 2 submitters: Pathogenic (1); Likely pathogenic (1). Last evaluated 2025-11-04.

Conditions:
Nemaline myopathy 2 (NEM2). Also called: Nemaline myopathy 2, autosomal recessive. Identifiers: MedGen C1850569, MONDO:0009725, OMIM 256030.

Submissions (2):

Natera, Inc.
Classification: Likely pathogenic for Nemaline myopathy type 2. Last evaluated: 2025-11-04. Review status: criteria provided, single submitter. Criteria: Natera Variant Classification Schema (03/2026). Collection method: clinical testing. Allele origin: germline.
Comment: The c.12639+2T>C variant in NEB is a canonical splice donor site variant predicted to affect pre-mRNA splicing, which may result in an abnormal transcript and altered protein product. This variant may result in a truncated or dysfunctional protein product. This variant is rare in the general population with a frequency below the threshold expected for the associated phenotype(s). Another variant at this same site results in an alteration predicted to cause a similar molecular effect has been observed in individual(s) with the associated phenotype. Given the available evidence, this variant is classified as Likely Pathogenic.

Labcorp Genetics (formerly Invitae), Labcorp
Classification: Pathogenic for Nemaline myopathy 2. Last evaluated: 2023-03-17. Review status: criteria provided, single submitter. Criteria: Invitae Variant Classification Sherloc (09022015). Collection method: clinical testing. Allele origin: germline.
Comment: For these reasons, this variant has been classified as Pathogenic. Algorithms developed to predict the effect of sequence changes on RNA splicing suggest that this variant may disrupt the consensus splice site. ClinVar contains an entry for this variant (Variation ID: 1513661). Disruption of this splice site has been observed in individual(s) with NEB-related conditions (PMID: 25205138). In at least one individual the data is consistent with being in trans (on the opposite chromosome) from a pathogenic variant. The frequency data for this variant in the population databases (gnomAD) is considered unreliable due to the presence of homologous sequence, such as pseudogenes or paralogs, in the genome. This sequence change affects a donor splice site in intron 83 of the NEB gene. It is expected to disrupt RNA splicing. Variants that disrupt the donor or acceptor splice site typically lead to a loss of protein function (PMID: 16199547), and loss-of-function variants in NEB are known to be pathogenic (PMID: 25205138). This variant occurs in a region of NEB (Exons 82-105) consisting of three highly homologous 8-exon repeat units (exons 82-89, exons 90-97, exons 98-105). Sequence variants in this region can be detected, but this assay cannot determine which of the three repeat units is affected, and zygosity is often ambiguous. All variants in this region are reported relative to the exon 82-89 repeat.

Literature cited by the submitters: PubMed 25205138 (cited by Labcorp Genetics (formerly Invitae), Labcorp); PubMed 16199547 (cited by Labcorp Genetics (formerly Invitae), Labcorp).

NM_001164508.2(NEB):c.12639+2T>C

Gene: NEB (nebulin; minus strand). Cytogenetic location: 2q23.3.
Variant type: single nucleotide variant.
Coding change: c.12639+2T>C on transcript NM_001164508.2 (MANE Select); the canonical splice donor site of the intron after coding-DNA position 12639, T replaced by C.
Molecular consequence: splice donor variant. On other transcripts: intron variant (1).
Genome position (GRCh38, 1-based): chr2:151,607,502, A>G on the plus strand (T>C on the coding strand, the complement: NEB is on the minus strand). VCF-style: chr2-151607502-A-G. GRCh37 (hg19) VCF-style: chr2-152464016-A-G.
Other names: c.11601+2307T>C (NM_004543.5); c.12639+2T>C (NM_001164507.2, NM_001271208.2, NM_001271208.1).
Identifiers: ClinVar variation 1513661 (VCV001513661.7), dbSNP rs2153957684, ClinGen allele CA348774677.